The following is an entry in ClinVar:

NM_000051.4(ATM):c.8671G>A (p.Gly2891Ser)

Genes: ATM (ATM serine/threonine kinase; plus strand), C11orf65 (chromosome 11 open reading frame 65; minus strand). Cytogenetic location: 11q22.3.
Variant type: single nucleotide variant.
Coding change: c.8671G>A on transcript NM_000051.4 (MANE Select); coding-DNA position 8671, G replaced by A.
Protein change: p.Gly2891Ser; replaces glycine 2891 with serine.
Molecular consequence: missense variant. On other transcripts: intron variant (2).
Genome position (GRCh38, 1-based): chr11:108,347,365, G>A. VCF-style: chr11-108347365-G-A. GRCh37 (hg19) VCF-style: chr11-108218092-G-A.
Other names: c.8671G>A, p.Gly2891Ser (NM_001351834.2); c.641-38294C>T (NM_001330368.2); c.695-12073C>T (NM_001351110.2); short protein forms G2891S.
Identifiers: ClinVar variation 570967 (VCV000570967.11), dbSNP rs1565567541, ClinGen allele CA382521337.

ClinVar aggregate classification (germline): Uncertain significance. Review status: criteria provided, multiple submitters, no conflicts (2 of 4 stars). 2 submissions from 2 submitters: Uncertain significance (2). Last evaluated 2023-04-08.

Conditions:
Hereditary cancer-predisposing syndrome. Also called: Hereditary Cancer Syndrome; Neoplastic Syndromes, Hereditary; Tumor predisposition; Hereditary neoplastic syndrome. Identifiers: Orphanet 140162, MedGen C0027672, MeSH D009386, MONDO:0015356.
Ataxia-telangiectasia syndrome (AT). Also called: Cerebello-oculocutaneous telangiectasia; Immunodeficiency with ataxia telangiectasia; Ataxia-telangiectasia, complementation group E; Ataxia-telangiectasia, complementation group D; AT, COMPLEMENTATION GROUP C; ATAXIA-TELANGIECTASIA, COMPLEMENTATION GROUP A. Identifiers: Orphanet 100, MedGen C0004135, MONDO:0008840, OMIM 208900.

Allele frequency attached by ClinVar (database versions not stated): TOPMed below 0.00001.

Submissions (2):

Labcorp Genetics (formerly Invitae), Labcorp
Classification: Uncertain significance for Ataxia-telangiectasia syndrome. Last evaluated: 2023-04-08. Review status: criteria provided, single submitter. Criteria: Invitae Variant Classification Sherloc (09022015). Collection method: clinical testing. Allele origin: germline.
Comment: In summary, the available evidence is currently insufficient to determine the role of this variant in disease. Therefore, it has been classified as a Variant of Uncertain Significance. Variants that disrupt the consensus splice site are a relatively common cause of aberrant splicing (PMID: 17576681, 9536098). An algorithm developed to predict the effect of missense changes on protein structure and function (PolyPhen-2) suggests that this variant is likely to be disruptive. ClinVar contains an entry for this variant (Variation ID: 570967). This variant has not been reported in the literature in individuals affected with ATM-related conditions. This variant is not present in population databases (gnomAD no frequency). This sequence change replaces glycine, which is neutral and non-polar, with serine, which is neutral and polar, at codon 2891 of the ATM protein (p.Gly2891Ser). This variant also falls at the last nucleotide of exon 59, which is part of the consensus splice site for this exon.

Ambry Genetics
Classification: Uncertain significance for Hereditary cancer-predisposing syndrome. Last evaluated: 2022-08-31. Review status: criteria provided, single submitter. Criteria: Ambry Variant Classification Scheme 2023. Collection method: clinical testing. Allele origin: germline.
Comment: The p.G2891S variant (also known as c.8671G>A), located in coding exon 58 of the ATM gene, results from a G to A substitution at nucleotide position 8671. The amino acid change results in glycine to serine at codon 2891, an amino acid with similar properties. However, this change occurs in the last base pair of coding exon 58, which makes it likely to have some effect on normal mRNA splicing; however RNA studies have demonstrated that this alteration does not result in abnormal splicing in the set of samples tested (Ambry internal data). This amino acid position is highly conserved in available vertebrate species. In addition, this alteration is predicted to be deleterious by in silico analysis. Since supporting evidence is limited at this time, the clinical significance of this alteration remains unclear.

Literature cited by the submitters: PubMed 17576681 (cited by Labcorp Genetics (formerly Invitae), Labcorp); PubMed 9536098 (cited by Labcorp Genetics (formerly Invitae), Labcorp).